The following is an entry in ClinVar:

ClinVar aggregate classification (germline): Benign/Likely benign. Review status: criteria provided, multiple submitters, no conflicts (2 of 4 stars). 3 submissions from 3 submitters: Benign (1); Likely benign (2). Last evaluated 2025-09-13.

Conditions:
Hereditary cancer-predisposing syndrome. Also called: Tumor predisposition; Neoplastic Syndromes, Hereditary; Hereditary Cancer Syndrome; Hereditary neoplastic syndrome. Identifiers: Orphanet 140162, MedGen C0027672, MeSH D009386, MONDO:0015356.
Colorectal cancer, susceptibility to, 12 (CRCS12). Also called: COLORECTAL CANCER, SUSCEPTIBILITY TO, ON CHROMOSOME 12q24. Identifiers: Orphanet 220460, MedGen C3554460, MONDO:0014038, OMIM 615083.

Allele frequency attached by ClinVar (database versions not stated): gnomAD exomes below 0.00001.
gnomAD v4.1: 3 of 1,613,970 alleles (0.00019%); highest among the groups gnomAD compares: Non-Finnish European, 0.00025%; no homozygotes.

Submissions (3):

Labcorp Genetics (formerly Invitae), Labcorp
Classification: Likely benign. Last evaluated: 2025-09-13. Review status: criteria provided, single submitter. Criteria: Invitae Variant Classification Sherloc (09022015). Collection method: clinical testing. Allele origin: germline.

Myriad Genetics, Inc.
Classification: Benign for Colorectal cancer, susceptibility to, 12. Last evaluated: 2025-02-10. Review status: criteria provided, single submitter. Criteria: Myriad Autosomal Dominant, Autosomal Recessive and X-Linked Classification Criteria (2023). Collection method: clinical testing. Allele origin: unknown.
Comment: This variant is considered benign. This variant is a silent/synonymous amino acid change and it is not expected to impact splicing.

Ambry Genetics
Classification: Likely benign for Hereditary cancer-predisposing syndrome. Last evaluated: 2022-11-07. Review status: criteria provided, single submitter. Criteria: Ambry Variant Classification Scheme 2023. Collection method: clinical testing. Allele origin: germline.

NM_006231.4(POLE):c.1173G>A (p.Lys391=)

Gene: POLE (DNA polymerase epsilon, catalytic subunit; minus strand). Cytogenetic location: 12q24.33.
Variant type: single nucleotide variant.
Coding change: c.1173G>A on transcript NM_006231.4 (MANE Select); coding-DNA position 1173, G replaced by A.
Protein change: p.Lys391=; no amino-acid change (lysine 391 retained).
Molecular consequence: synonymous variant.
Genome position (GRCh38, 1-based): chr12:132,675,451, C>T on the plus strand (G>A on the coding strand, the complement: POLE is on the minus strand). VCF-style: chr12-132675451-C-T. GRCh37 (hg19) VCF-style: chr12-133252037-C-T.
Other names: c.1173G>A (NM_006231.2).
Identifiers: ClinVar variation 759311 (VCV000759311.13), dbSNP rs1593076842, ClinGen allele CA482849674.